The following is an entry in ClinVar:

NM_013352.4(DSE):c.2370T>C (p.Ile790=)

Gene: DSE (dermatan sulfate epimerase; plus strand). Cytogenetic location: 6q22.1.
Variant type: single nucleotide variant.
Coding change: c.2370T>C on transcript NM_013352.4 (MANE Select); coding-DNA position 2370, T replaced by C.
Protein change: p.Ile790=; no amino-acid change (isoleucine 790 retained).
Molecular consequence: synonymous variant. On other transcripts: 3 prime UTR variant (2), non-coding transcript variant (1).
Genome position (GRCh38, 1-based): chr6:116,436,838, T>C. VCF-style: chr6-116436838-T-C. GRCh37 (hg19) VCF-style: chr6-116758001-T-C.
Other names: c.2370T>C, p.Ile790= (NM_001080976.3, NM_001322937.2, NM_001322938.2); c.2427T>C, p.Ile809= (NM_001322939.2); c.1809T>C, p.Ile603= (NM_001322940.2, NM_001322941.2); c.*1235T>C (NM_001322943.2, NM_001322944.2); c.1371T>C, p.Ile457= (NM_001374520.1); c.1335T>C, p.Ile445= (NM_001374521.1).
Identifiers: ClinVar variation 680405 (VCV000680405.1), dbSNP rs145906435, ClinGen allele CA3969804.

ClinVar aggregate classification (germline): Likely benign (1 of 4 stars; one submission).

Allele frequency attached by ClinVar (database versions not stated): gnomAD exomes below 0.00001 and 0.00001; ExAC 0.00002; gnomAD 0.00002; TOPMed 0.00005; ESP Exome Variant Server 0.00008.
gnomAD v4.1: 4 of 1,613,994 alleles (0.00025%); highest among the groups gnomAD compares: African/African-American, 0.0053%; no homozygotes.

Submission:

GeneDx
Classification: Likely benign. Last evaluated: 2018-03-15. Review status: criteria provided, single submitter. Criteria: GeneDx Variant Classification (06012015). Collection method: clinical testing. Allele origin: germline. Affected: yes.
Comment: This variant is considered likely benign or benign based on one or more of the following criteria: it is a conservative change, it occurs at a poorly conserved position in the protein, it is predicted to be benign by multiple in silico algorithms, and/or has population frequency not consistent with disease.